The following is an entry in ClinVar:

ClinVar aggregate classification (germline): Uncertain significance (1 of 4 stars; one submission).

Conditions:
Hyper-IgE recurrent infection syndrome 3, autosomal recessive. Also called: Autosomal recessive hyper-IgE syndrome due to ZNF341 deficiency; HYPER-IgE SYNDROME 3, AUTOSOMAL RECESSIVE, WITH RECURRENT INFECTIONS. Identifiers: Orphanet 641368, MedGen C4748969, MONDO:0032654, OMIM 618282.

Submission:

Labcorp Genetics (formerly Invitae), Labcorp
Classification: Uncertain significance for Combined immunodeficiency due to DOCK8 deficiency. Last evaluated: 2024-01-22. Review status: criteria provided, single submitter. Criteria: Invitae Variant Classification Sherloc (09022015). Collection method: clinical testing. Allele origin: germline.
Comment: This variant results in a copy number gain of the genomic region encompassing exon(s) 8-14 of the DOCK8 gene. While the exact position of this variant cannot be determined from the data, sub-genic copy number gains are generally in tandem (PMID: 25640679). This variant is predicted to be in-frame, and likely preserves the integrity of the reading frame. This variant has not been reported in the literature in individuals affected with DOCK8-related conditions. Experimental studies and prediction algorithms are not available or were not evaluated, and the functional significance of this variant is currently unknown. In summary, the available evidence is currently insufficient to determine the role of this variant in disease. Therefore, it has been classified as a Variant of Uncertain Significance.

Literature cited by the submitters: PubMed 25640679.

NC_000009.11:g.(?_325651)_(340341_?)dup

Gene: DOCK8 (dedicator of cytokinesis 8; plus strand). Cytogenetic location: 9p24.3.
Variant type: Duplication.
Identifiers: ClinVar variation 536617 (VCV000536617.13).